The following is an entry in ClinVar:

ClinVar aggregate classification (germline): Uncertain significance (1 of 4 stars; one submission).

Conditions:
Hereditary cancer-predisposing syndrome. Also called: Neoplastic Syndromes, Hereditary; Tumor predisposition; Hereditary neoplastic syndrome; Hereditary Cancer Syndrome. Identifiers: Orphanet 140162, MedGen C0027672, MeSH D009386, MONDO:0015356.

gnomAD v4.1: 1 of 1,614,180 alleles (0.000062%); highest among the groups gnomAD compares: Non-Finnish European, 0.000085%; no homozygotes.

Submission:

Ambry Genetics
Classification: Uncertain significance for Hereditary cancer-predisposing syndrome. Last evaluated: 2026-09-13. Review status: criteria provided, single submitter. Criteria: Ambry Variant Classification Scheme 2023. Collection method: clinical testing. Allele origin: germline.
Comment: The p.D92G variant (also known as c.275A>G), located in coding exon 1 of the GREM1 gene, results from an A to G substitution at nucleotide position 275. The aspartic acid at codon 92 is replaced by glycine, an amino acid with similar properties. This amino acid position is conserved. In addition, the in silico prediction for this alteration is inconclusive. Based on the available evidence, the clinical significance of this variant remains unclear.

NM_013372.7(GREM1):c.275A>G (p.Asp92Gly)

Gene: GREM1 (gremlin 1, DAN family BMP antagonist; plus strand). Cytogenetic location: 15q13.3.
Variant type: single nucleotide variant.
Coding change: c.275A>G on transcript NM_013372.7 (MANE Select); coding-DNA position 275, A replaced by G.
Protein change: p.Asp92Gly; replaces aspartic acid 92 with glycine.
Molecular consequence: missense variant.
Genome position (GRCh38, 1-based): chr15:32,730,965, A>G. VCF-style: chr15-32730965-A-G. GRCh37 (hg19) VCF-style: chr15-33023166-A-G.
Other names: c.65A>G, p.Asp22Gly (NM_001191322.2); c.152A>G, p.Asp51Gly (NM_001191323.2); c.275A>G, p.Asp92Gly (NM_001368719.1); short protein forms D22G, D51G, D92G.
Identifiers: ClinVar variation 5022519 (VCV005022519.1).
Genomic context (GRCh38, chr15:32,730,965, plus strand): 5'-AGGTGCTGGAGTCCAGCCAAGAGGCCCTGCATGTGACGGAGCGCAAATACCTGAAGCGAG[A>G]CTGGTGCAAAACCCAGCCGCTTAAGCAGACCATCCACGAGGAAGGCTGCAACAGTCGCAC-3'
Protein context (NP_037504.1, residues 82-102): HVTERKYLKR[Asp92Gly]WCKTQPLKQT